The following is an entry in ClinVar:

ClinVar aggregate classification (germline): Conflicting classifications of pathogenicity. Review status: criteria provided, conflicting classifications (1 of 4 stars). 3 submissions from 3 submitters: Uncertain significance (2); Likely benign (1). Last evaluated 2025-08-04.

Conditions:
Intellectual disability, autosomal dominant 9 (NESCAVS). Also called: KIF1A-Related Neurodevelopmental Disorder; NESCAV SYNDROME. Identifiers: Orphanet 662367, MedGen C5393830, MONDO:0013656, OMIM 614255.
Neuropathy, hereditary sensory, type 2C. Also called: Hereditary sensory and autonomic neuropathy type IIC; KIF1A-Related HSAN2 (HSAN2C). Identifiers: Orphanet 970, MedGen C3280168, MONDO:0013634, OMIM 614213.
Hereditary spastic paraplegia 30. Identifiers: Orphanet 101010, MedGen C5235139, MONDO:0012476.

Allele frequency attached by ClinVar (database versions not stated): TOPMed 0.00002.
gnomAD v4.1: 7 of 1,600,550 alleles (0.00044%); highest among the groups gnomAD compares: South Asian, 0.0023%; no homozygotes.

Submissions (3):

Labcorp Genetics (formerly Invitae), Labcorp
Classification: Uncertain significance for Hereditary spastic paraplegia 30; Neuropathy, hereditary sensory, type 2C; Intellectual disability, autosomal dominant 9. Last evaluated: 2025-08-04. Review status: criteria provided, single submitter. Criteria: Invitae Variant Classification Sherloc (09022015). Collection method: clinical testing. Allele origin: germline.
Comment: This sequence change replaces arginine, which is basic and polar, with tryptophan, which is neutral and slightly polar, at codon 813 of the KIF1A protein (p.Arg813Trp). The frequency data for this variant in the population databases is considered unreliable, as metrics indicate poor data quality at this position in the gnomAD database. This variant has not been reported in the literature in individuals affected with KIF1A-related conditions. ClinVar contains an entry for this variant (Variation ID: 982656). Invitae Evidence Modeling of protein sequence and biophysical properties (such as structural, functional, and spatial information, amino acid conservation, physicochemical variation, residue mobility, and thermodynamic stability) has been performed for this missense variant. However, the output from this modeling did not meet the statistical confidence thresholds required to predict the impact of this variant on KIF1A protein function. In summary, the available evidence is currently insufficient to determine the role of this variant in disease. Therefore, it has been classified as a Variant of Uncertain Significance.

GeneDx
Classification: Uncertain significance. Last evaluated: 2022-02-01. Review status: criteria provided, single submitter. Criteria: GeneDx Variant Classification Process June 2021. Collection method: clinical testing. Allele origin: germline. Affected: yes.
Comment: In silico analysis supports that this missense variant has a deleterious effect on protein structure/function; Has not been previously published as pathogenic or benign to our knowledge

Institute of Human Genetics, University of Leipzig Medical Center
Classification: Likely benign for Intellectual disability, autosomal dominant 9. Last evaluated: 2019-01-01. Review status: criteria provided, single submitter. Criteria: ACMG Guidelines, 2015. Collection method: clinical testing. Allele origin: unknown. Affected: yes.

NM_001244008.2(KIF1A):c.2464C>T (p.Arg822Trp)

Gene: KIF1A (kinesin family member 1A; minus strand). Cytogenetic location: 2q37.3.
Variant type: single nucleotide variant.
Coding change: c.2464C>T on transcript NM_001244008.2 (MANE Select); coding-DNA position 2464, C replaced by T.
Protein change: p.Arg822Trp; replaces arginine 822 with tryptophan.
Molecular consequence: missense variant.
Genome position (GRCh38, 1-based): chr2:240,758,478, G>A on the plus strand (C>T on the coding strand, the complement: KIF1A is on the minus strand). VCF-style: chr2-240758478-G-A. GRCh37 (hg19) VCF-style: chr2-241697895-G-A.
Other names: c.2464C>T, p.Arg822Trp (NM_001320705.2, NM_001330289.2, NM_001379638.1); c.2539C>T, p.Arg847Trp (NM_001330290.2, NM_001379631.1, NM_001379634.1 and 2 more transcripts); c.2437C>T, p.Arg813Trp (NM_001379632.1, NM_001379633.1, NM_001379636.1 and 10 more transcripts); c.2512C>T, p.Arg838Trp (NM_001379637.1, NM_001379648.1); short protein forms R813W, R822W, R838W, R847W.
Identifiers: ClinVar variation 982656 (VCV000982656.7), dbSNP rs1328033713, ClinGen allele CA351324021.